The following is an entry in ClinVar:

ClinVar aggregate classification (germline): Uncertain significance (1 of 4 stars; one submission).

Conditions:
Nemaline myopathy 2 (NEM2). Also called: Nemaline myopathy 2, autosomal recessive. Identifiers: MedGen C1850569, MONDO:0009725, OMIM 256030.

Submission:

Labcorp Genetics (formerly Invitae), Labcorp
Classification: Uncertain significance for Nemaline myopathy 2. Last evaluated: 2022-03-15. Review status: criteria provided, single submitter. Criteria: Invitae Variant Classification Sherloc (09022015). Collection method: clinical testing. Allele origin: germline.
Comment: This sequence change replaces serine, which is neutral and polar, with threonine, which is neutral and polar, at codon 4109 of the NEB protein (p.Ser4109Thr). This variant is not present in population databases (gnomAD no frequency). This variant has not been reported in the literature in individuals affected with NEB-related conditions. Algorithms developed to predict the effect of missense changes on protein structure and function are either unavailable or do not agree on the potential impact of this missense change (SIFT: "Deleterious"; PolyPhen-2: "Not Available"; Align-GVGD: "Class C0"). In summary, the available evidence is currently insufficient to determine the role of this variant in disease. Therefore, it has been classified as a Variant of Uncertain Significance.

NM_001164508.2(NEB):c.12326G>C (p.Ser4109Thr)

Gene: NEB (nebulin; minus strand). Cytogenetic location: 2q23.3.
Variant type: single nucleotide variant.
Coding change: c.12326G>C on transcript NM_001164508.2 (MANE Select); coding-DNA position 12326, G replaced by C.
Protein change: p.Ser4109Thr; replaces serine 4109 with threonine.
Molecular consequence: missense variant.
Genome position (GRCh38, 1-based): chr2:151,609,813, C>G on the plus strand (G>C on the coding strand, the complement: NEB is on the minus strand). VCF-style: chr2-151609813-C-G. GRCh37 (hg19) VCF-style: chr2-152466327-C-G.
Other names: c.12326G>C, p.Ser4109Thr (NM_001164507.2, NM_001271208.2); c.11597G>C, p.Ser3866Thr (NM_004543.5); short protein forms S3866T, S4109T.
Identifiers: ClinVar variation 2112763 (VCV002112763.1), dbSNP rs1441411517, ClinGen allele CA348776501.
Genomic context (GRCh38, chr2:151,609,813, plus strand): 5'-CAATGAACAAATCTACATCTTCCCCTTCCCCCTTTCCCAAAATTCATGTTACGTACATCA[C>G]TCTGCAGGTCATAGGCCTTTTTTGCTTGGATAATGTCGTTTTGATCCGGCATGCATGTCC-3'
Protein context (NP_001157980.2, residues 4099-4119): IQAKKAYDLQ[Ser4109Thr]DSVYKADLEW